The following is an entry in ClinVar:

NM_000535.7(PMS2):c.1450C>G (p.Pro484Ala)

Gene: PMS2 (PMS1 homolog 2, mismatch repair system component; minus strand). Cytogenetic location: 7p22.1.
Variant type: single nucleotide variant.
Coding change: c.1450C>G on transcript NM_000535.7 (MANE Select); coding-DNA position 1450, C replaced by G.
Protein change: p.Pro484Ala; replaces proline 484 with alanine.
Molecular consequence: missense variant. On other transcripts: non-coding transcript variant (1), intron variant (1).
Genome position (GRCh38, 1-based): chr7:5,987,315, G>C on the plus strand (C>G on the coding strand, the complement: PMS2 is on the minus strand). VCF-style: chr7-5987315-G-C. GRCh37 (hg19) VCF-style: chr7-6026946-G-C.
Other names: c.1450C>G, p.Pro484Ala (NM_001406871.1, NM_001406872.1, NM_001322014.2); c.1252C>G, p.Pro418Ala (NM_001406873.1); c.1282C>G, p.Pro428Ala (NM_001406874.1); c.1141C>G, p.Pro381Ala (NM_001406875.1, NM_001406877.1, NM_001406878.1 and 5 more transcripts); c.1132C>G, p.Pro378Ala (NM_001406876.1, NM_001322007.2, NM_001322008.2 and 2 more transcripts); c.1045C>G, p.Pro349Ala (NM_001406890.1, NM_001406891.1, NM_001406892.1 and 16 more transcripts); c.1294C>G, p.Pro432Ala (NM_001322006.2, NM_001406870.1); c.889C>G, p.Pro297Ala (NM_001322010.2, NM_001406906.1, NM_001406907.1); and 13 more; short protein forms P173A, P227A, P293A, P297A, P313A, P326A, P329A, P349A.
Identifiers: ClinVar variation 3625429 (VCV003625429.2).
Genomic context (GRCh38, chr7:5,987,315, plus strand): 5'-CAGAATCCACGGAAGTGCTGCCGTGCCCCGAGTCCTTCTCCACCTCCGCTCTGTCCGTAG[G>C]GTCACTGGGTCCGTGACTGGAACTCACTGCCTCTTTCTGAGGTCTCAGGACGCCTTTGTC-3'
Protein context (NP_000526.2, residues 474-494): AVSSSHGPSD[Pro484Ala]TDRAEVEKDS

ClinVar aggregate classification (germline): Uncertain significance (1 of 4 stars; one submission).

Conditions:
Hereditary nonpolyposis colorectal neoplasms. Identifiers: MedGen C0009405, MeSH D003123.

Submission:

Labcorp Genetics (formerly Invitae), Labcorp
Classification: Uncertain significance for Hereditary nonpolyposis colorectal neoplasms. Last evaluated: 2024-12-18. Review status: criteria provided, single submitter. Criteria: Invitae Variant Classification Sherloc (09022015). Collection method: clinical testing. Allele origin: germline.
Comment: This sequence change replaces proline, which is neutral and non-polar, with alanine, which is neutral and non-polar, at codon 484 of the PMS2 protein (p.Pro484Ala). This variant is not present in population databases (gnomAD no frequency). This variant has not been reported in the literature in individuals affected with PMS2-related conditions. Invitae Evidence Modeling incorporating data from in vitro experimental studies (internal data) indicates that this missense variant is not expected to disrupt PMS2 function with a negative predictive value of 95%. In summary, the available evidence is currently insufficient to determine the role of this variant in disease. Therefore, it has been classified as a Variant of Uncertain Significance.